The following is an entry in ClinVar:

ClinVar aggregate classification (germline): Uncertain significance (1 of 4 stars; one submission).

Conditions:
Familial hemophagocytic lymphohistiocytosis 2 (FHL2). Also called: PRF1-Related Familial Hemophagocytic Lymphohistiocytosis (PRF1-fHLH). Identifiers: Orphanet 540, MedGen C1863727, MONDO:0011337, OMIM 603553.

Allele frequency attached by ClinVar (database versions not stated): TOPMed 0.00002.

Submission:

Labcorp Genetics (formerly Invitae), Labcorp
Classification: Uncertain significance for Familial hemophagocytic lymphohistiocytosis 2. Last evaluated: 2021-08-30. Review status: criteria provided, single submitter. Criteria: Invitae Variant Classification Sherloc (09022015). Collection method: clinical testing. Allele origin: germline.
Comment: This sequence change replaces valine with leucine at codon 135 of the PRF1 protein (p.Val135Leu). The valine residue is moderately conserved and there is a small physicochemical difference between valine and leucine. This variant is present in population databases (rs12263572, ExAC 0.05%). This variant has not been reported in the literature in individuals affected with PRF1-related conditions. Algorithms developed to predict the effect of missense changes on protein structure and function (SIFT, PolyPhen-2, Align-GVGD) all suggest that this variant is likely to be tolerated. In summary, the available evidence is currently insufficient to determine the role of this variant in disease. Therefore, it has been classified as a Variant of Uncertain Significance.

NM_001083116.3(PRF1):c.403G>T (p.Val135Leu)

Gene: PRF1 (perforin 1; minus strand). Cytogenetic location: 10q22.1.
Variant type: single nucleotide variant.
Coding change: c.403G>T on transcript NM_001083116.3 (MANE Select); coding-DNA position 403, G replaced by T.
Protein change: p.Val135Leu; replaces valine 135 with leucine.
Molecular consequence: missense variant.
Genome position (GRCh38, 1-based): chr10:70,600,500, C>A on the plus strand (G>T on the coding strand, the complement: PRF1 is on the minus strand). VCF-style: chr10-70600500-C-A. GRCh37 (hg19) VCF-style: chr10-72360256-C-A.
Other names: c.403G>T, p.Val135Leu (NM_005041.6); short protein forms V135L.
Identifiers: ClinVar variation 1047834 (VCV001047834.6), dbSNP rs12263572, ClinGen allele CA5539043.
Genomic context (GRCh38, chr10:70,600,500, plus strand): 5'-CTGCCTGTGAGTGTGAGCCGGCCACAGACACATGCACATTGCTGGTGGGCTTAGGAGTCA[C>A]GTCCAGCCCGACCTTCCAGTCGTTGCGGATGCTACGAGCCGCATCCCGGGCCACAGCTTC-3'
Protein context (NP_001076585.1, residues 125-145): IRNDWKVGLD[Val135Leu]TPKPTSNVHV